The following is an entry in ClinVar:

ClinVar aggregate classification (germline): Uncertain significance (1 of 4 stars; one submission).

Conditions:
Familial cancer of breast. Also called: hereditary breast carcinoma; Hereditary breast cancer; BREAST CANCER, FAMILIAL. Identifiers: Orphanet 227535, MedGen C0346153, MONDO:0016419, OMIM 114480. Disease mechanism: loss of function.

Submission:

Labcorp Genetics (formerly Invitae), Labcorp
Classification: Uncertain significance for Familial cancer of breast. Last evaluated: 2023-05-05. Review status: criteria provided, single submitter. Criteria: Invitae Variant Classification Sherloc (09022015). Collection method: clinical testing. Allele origin: germline.
Comment: In summary, the available evidence is currently insufficient to determine the role of this variant in disease. Therefore, it has been classified as a Variant of Uncertain Significance. Advanced modeling of protein sequence and biophysical properties (such as structural, functional, and spatial information, amino acid conservation, physicochemical variation, residue mobility, and thermodynamic stability) performed at Invitae indicates that this missense variant is expected to disrupt PALB2 protein function. This variant has not been reported in the literature in individuals affected with PALB2-related conditions. This variant is not present in population databases (gnomAD no frequency). This sequence change replaces valine, which is neutral and non-polar, with phenylalanine, which is neutral and non-polar, at codon 1059 of the PALB2 protein (p.Val1059Phe).

NM_024675.4(PALB2):c.3175G>T (p.Val1059Phe)

Gene: PALB2 (partner and localizer of BRCA2; minus strand). Cytogenetic location: 16p12.2.
Variant type: single nucleotide variant.
Coding change: c.3175G>T on transcript NM_024675.4 (MANE Select); coding-DNA position 3175, G replaced by T.
Protein change: p.Val1059Phe; replaces valine 1059 with phenylalanine.
Molecular consequence: missense variant. On other transcripts: intron variant (3).
Genome position (GRCh38, 1-based): chr16:23,614,030, C>A on the plus strand (G>T on the coding strand, the complement: PALB2 is on the minus strand). VCF-style: chr16-23614030-C-A. GRCh37 (hg19) VCF-style: chr16-23625351-C-A.
Other names: c.3115G>T, p.Val1039Phe (NM_001407296.1); c.3103G>T, p.Val1035Phe (NM_001407297.1); c.3013G>T, p.Val1005Phe (NM_001407298.1, NM_001407302.1); c.2896G>T, p.Val966Phe (NM_001407300.1); c.3175G>T, p.Val1059Phe (NM_001407301.1); c.2290G>T, p.Val764Phe (NM_001407304.1, NM_001407305.1, NM_001407306.1 and 2 more transcripts); c.2128G>T, p.Val710Phe (NM_001407307.1); c.1387G>T, p.Val463Phe (NM_001407312.1, NM_001407313.1); and 3 more; short protein forms V1005F, V710F, V237F, V463F, V764F, V1035F, V966F, V1039F.
Identifiers: ClinVar variation 2862007 (VCV002862007.3), dbSNP rs587780217, ClinGen allele CA395141212.